The following is an entry in ClinVar:

NM_025077.4(TOE1):c.73A>T (p.Thr25Ser)

Gene: TOE1 (target of EGR1, exonuclease; plus strand). Cytogenetic location: 1p34.1.
Variant type: single nucleotide variant.
Coding change: c.73A>T on transcript NM_025077.4 (MANE Select); coding-DNA position 73, A replaced by T.
Protein change: p.Thr25Ser; replaces threonine 25 with serine.
Molecular consequence: missense variant.
Genome position (GRCh38, 1-based): chr1:45,341,093, A>T. VCF-style: chr1-45341093-A-T. GRCh37 (hg19) VCF-style: chr1-45806765-A-T.
Other names: short protein forms T25S.
Identifiers: ClinVar variation 2067757 (VCV002067757.3), dbSNP rs201286810, ClinGen allele CA826442.
Genomic context (GRCh38, chr1:45,341,093, plus strand): 5'-TTCCTTAAGCATGAACATCCATCACCCTCCTAACCCCCAGGTGGTGTCAGCAAAAGCACA[A>T]CATCTGGGGAGGAGCTAGTAGTCCAGGTTCCCGTAGTGGATGTGCAAAGCAACAACTTCA-3'
Protein context (NP_079353.3, residues 15-35): ASDGGVSKST[Thr25Ser]SGEELVVQVP

ClinVar aggregate classification (germline): Uncertain significance. Review status: criteria provided, multiple submitters, no conflicts (2 of 4 stars). 2 submissions from 2 submitters: Uncertain significance (2). Last evaluated 2024-10-06.

Conditions:
Inborn genetic diseases. Identifiers: MedGen C0950123, MeSH D030342.

Submissions (2):

Ambry Genetics
Classification: Uncertain significance for Inborn genetic diseases. Last evaluated: 2024-10-06. Review status: criteria provided, single submitter. Criteria: Ambry Variant Classification Scheme 2023. Collection method: clinical testing. Allele origin: germline.

Labcorp Genetics (formerly Invitae), Labcorp
Classification: Uncertain significance. Last evaluated: 2022-07-13. Review status: criteria provided, single submitter. Criteria: Invitae Variant Classification Sherloc (09022015). Collection method: clinical testing. Allele origin: germline.
Comment: This sequence change replaces threonine, which is neutral and polar, with serine, which is neutral and polar, at codon 25 of the TOE1 protein (p.Thr25Ser). This variant is present in population databases (rs201286810, gnomAD 0.02%). This variant has not been reported in the literature in individuals affected with TOE1-related conditions. Algorithms developed to predict the effect of missense changes on protein structure and function (SIFT, PolyPhen-2, Align-GVGD) all suggest that this variant is likely to be tolerated. In summary, the available evidence is currently insufficient to determine the role of this variant in disease. Therefore, it has been classified as a Variant of Uncertain Significance.